The following is an entry in ClinVar:

ClinVar aggregate classification (germline): Uncertain significance (1 of 4 stars; one submission).

Submission:

Labcorp Genetics (formerly Invitae), Labcorp
Classification: Uncertain significance. Last evaluated: 2023-05-16. Review status: criteria provided, single submitter. Criteria: Invitae Variant Classification Sherloc (09022015). Collection method: clinical testing. Allele origin: germline.
Comment: In summary, the available evidence is currently insufficient to determine the role of this variant in disease. Therefore, it has been classified as a Variant of Uncertain Significance. An algorithm developed to predict the effect of missense changes on protein structure and function (PolyPhen-2) suggests that this variant is likely to be disruptive. This variant has not been reported in the literature in individuals affected with TCF20-related conditions. This variant is not present in population databases (gnomAD no frequency). This sequence change replaces threonine, which is neutral and polar, with isoleucine, which is neutral and non-polar, at codon 1695 of the TCF20 protein (p.Thr1695Ile).

NM_001378418.1(TCF20):c.5084C>T (p.Thr1695Ile)

Gene: TCF20 (transcription factor 20; minus strand). Cytogenetic location: 22q13.2.
Variant type: single nucleotide variant.
Coding change: c.5084C>T on transcript NM_001378418.1 (MANE Select); coding-DNA position 5084, C replaced by T.
Protein change: p.Thr1695Ile; replaces threonine 1695 with isoleucine.
Molecular consequence: missense variant.
Genome position (GRCh38, 1-based): chr22:42,210,222, G>A on the plus strand (C>T on the coding strand, the complement: TCF20 is on the minus strand). VCF-style: chr22-42210222-G-A. GRCh37 (hg19) VCF-style: chr22-42606228-G-A.
Other names: c.5084C>T, p.Thr1695Ile (NM_005650.4, NM_181492.3); short protein forms T1695I.
Identifiers: ClinVar variation 2811048 (VCV002811048.3), dbSNP rs2518201644, ClinGen allele CA411782616.